The following is an entry in ClinVar:

ClinVar aggregate classification (germline): Uncertain significance (1 of 4 stars; one submission).

Conditions:
Gastrointestinal stromal tumor. Also called: Gastrointestinal stromal tumor, somatic; Gastrointestinal stroma tumor. Identifiers: Orphanet 44890, MedGen C0238198, MeSH D046152, MONDO:0011719, OMIM 606764, HP:0100723.

gnomAD v4.1: 1 of 1,612,392 alleles (0.000062%); no homozygotes.

Submission:

Labcorp Genetics (formerly Invitae), Labcorp
Classification: Uncertain significance for Gastrointestinal stromal tumor. Last evaluated: 2023-09-04. Review status: criteria provided, single submitter. Criteria: Invitae Variant Classification Sherloc (09022015). Collection method: clinical testing. Allele origin: germline.
Comment: In summary, the available evidence is currently insufficient to determine the role of this variant in disease. Therefore, it has been classified as a Variant of Uncertain Significance. An algorithm developed to predict the effect of missense changes on protein structure and function (PolyPhen-2) suggests that this variant is likely to be disruptive. ClinVar contains an entry for this variant (Variation ID: 843028). This variant has not been reported in the literature in individuals affected with KIT-related conditions. This variant is not present in population databases (gnomAD no frequency). This sequence change replaces threonine, which is neutral and polar, with isoleucine, which is neutral and non-polar, at codon 806 of the KIT protein (p.Thr806Ile).

NM_000222.3(KIT):c.2417C>T (p.Thr806Ile)

Gene: KIT (KIT proto-oncogene, receptor tyrosine kinase; plus strand). Cytogenetic location: 4q12.
Variant type: single nucleotide variant.
Coding change: c.2417C>T on transcript NM_000222.3 (MANE Select); coding-DNA position 2417, C replaced by T.
Protein change: p.Thr806Ile; replaces threonine 806 with isoleucine.
Molecular consequence: missense variant.
Genome position (GRCh38, 1-based): chr4:54,733,125, C>T. VCF-style: chr4-54733125-C-T. GRCh37 (hg19) VCF-style: chr4-55599291-C-T.
Other names: c.2405C>T, p.Thr802Ile (NM_001093772.2, NM_001385292.1); c.2420C>T, p.Thr807Ile (NM_001385284.1); c.2414C>T, p.Thr805Ile (NM_001385285.1); c.2402C>T, p.Thr801Ile (NM_001385286.1); c.2408C>T, p.Thr803Ile (NM_001385288.1); c.2417C>T, p.Thr806Ile (NM_001385290.1); short protein forms T802I, T806I, T801I, T803I, T805I, T807I.
Identifiers: ClinVar variation 843028 (VCV000843028.10), dbSNP rs1722711365, ClinGen allele CA356911685.